The following is an entry in ClinVar:

NM_000264.5(PTCH1):c.1132G>A (p.Gly378Arg)

Gene: PTCH1 (patched 1; minus strand). Cytogenetic location: 9q22.32.
Variant type: single nucleotide variant.
Coding change: c.1132G>A on transcript NM_000264.5 (MANE Select); coding-DNA position 1132, G replaced by A.
Protein change: p.Gly378Arg; replaces glycine 378 with arginine.
Molecular consequence: missense variant. On other transcripts: non-coding transcript variant (1).
Genome position (GRCh38, 1-based): chr9:95,479,083, C>T on the plus strand (G>A on the coding strand, the complement: PTCH1 is on the minus strand). VCF-style: chr9-95479083-C-T. GRCh37 (hg19) VCF-style: chr9-98241365-C-T.
Other names: c.934G>A, p.Gly312Arg (NM_001083602.3); c.1129G>A, p.Gly377Arg (NM_001083603.3); c.679G>A, p.Gly227Arg (NM_001083604.3, NM_001083605.3, NM_001083606.3 and 1 more transcripts); c.1132G>A, p.Gly378Arg (NM_001354918.2); short protein forms G377R, G227R, G312R, G378R.
Identifiers: ClinVar variation 1728833 (VCV001728833.2), dbSNP rs2538217302, ClinGen allele CA374119395.

ClinVar aggregate classification (germline): Uncertain significance (1 of 4 stars; one submission).

Conditions:
Hereditary cancer-predisposing syndrome. Also called: Tumor predisposition; Neoplastic Syndromes, Hereditary; Hereditary Cancer Syndrome; Hereditary neoplastic syndrome. Identifiers: Orphanet 140162, MedGen C0027672, MeSH D009386, MONDO:0015356.

Submission:

Ambry Genetics
Classification: Uncertain significance for Hereditary cancer-predisposing syndrome. Last evaluated: 2021-01-07. Review status: criteria provided, single submitter. Criteria: Ambry Variant Classification Scheme 2023. Collection method: clinical testing. Allele origin: germline.
Comment: The p.G378R variant (also known as c.1132G>A), located in coding exon 8 of the PTCH1 gene, results from a G to A substitution at nucleotide position 1132. The glycine at codon 378 is replaced by arginine, an amino acid with dissimilar properties. This amino acid position is highly conserved in available vertebrate species. In addition, this alteration is predicted to be deleterious by in silico analysis. Since supporting evidence is limited at this time, the clinical significance of this alteration remains unclear.